The following is an entry in ClinVar:

ClinVar aggregate classification (germline): Uncertain significance (1 of 4 stars; one submission).

Submission:

GeneDx
Classification: Uncertain significance. Last evaluated: 2024-07-09. Review status: criteria provided, single submitter. Criteria: GeneDx Variant Classification Process June 2021. Collection method: clinical testing. Allele origin: germline. Affected: yes.
Comment: Not observed at significant frequency in large population cohorts (gnomAD); In silico analysis indicates that this missense variant does not alter protein structure/function; Has not been previously published as pathogenic or benign to our knowledge

NM_001190274.2(FBXO11):c.964A>G (p.Ile322Val)

Gene: FBXO11 (F-box protein 11; minus strand). Cytogenetic location: 2p16.3.
Variant type: single nucleotide variant.
Coding change: c.964A>G on transcript NM_001190274.2 (MANE Select); coding-DNA position 964, A replaced by G.
Protein change: p.Ile322Val; replaces isoleucine 322 with valine.
Molecular consequence: missense variant.
Genome position (GRCh38, 1-based): chr2:47,833,041, T>C on the plus strand (A>G on the coding strand, the complement: FBXO11 is on the minus strand). VCF-style: chr2-47833041-T-C. GRCh37 (hg19) VCF-style: chr2-48060180-T-C.
Other names: c.712A>G, p.Ile238Val (NM_001374325.1, NM_025133.4); short protein forms I238V, I322V.
Identifiers: ClinVar variation 3572504 (VCV003572504.1).
Genomic context (GRCh38, chr2:47,833,041, plus strand): 5'-CAACATAAGCATCTTCAGAGCCTTCCATAAAAACGAAGGTTGAATCTCTAGTGTTTTCAA[T>C]TATAACTTTGTCTGCCACTTTCCCAGGTGCTGTGGAGAAGATATTTTAAAGAATATTACC-3'
Protein context (NP_001177203.1, residues 312-332): APGKVADKVI[Ile322Val]ENTRDSTFVF